The following is an entry in ClinVar:

ClinVar aggregate classification (germline): Uncertain significance (1 of 4 stars; one submission).

Submission:

Labcorp Genetics (formerly Invitae), Labcorp
Classification: Uncertain significance. Last evaluated: 2022-06-13. Review status: criteria provided, single submitter. Criteria: Invitae Variant Classification Sherloc (09022015). Collection method: clinical testing. Allele origin: germline.
Comment: In summary, the available evidence is currently insufficient to determine the role of this variant in disease. Therefore, it has been classified as a Variant of Uncertain Significance. Algorithms developed to predict the effect of sequence changes on RNA splicing suggest that this variant may create or strengthen a splice site. Advanced modeling of protein sequence and biophysical properties (such as structural, functional, and spatial information, amino acid conservation, physicochemical variation, residue mobility, and thermodynamic stability) performed at Invitae indicates that this missense variant is expected to disrupt ABCA4 protein function. ClinVar contains an entry for this variant (Variation ID: 1043743). This variant has not been reported in the literature in individuals affected with ABCA4-related conditions. This variant is not present in population databases (gnomAD no frequency). This sequence change replaces aspartic acid, which is acidic and polar, with glycine, which is neutral and non-polar, at codon 858 of the ABCA4 protein (p.Asp858Gly).

NM_000350.3(ABCA4):c.2573A>G (p.Asp858Gly)

Gene: ABCA4 (ATP binding cassette subfamily A member 4; minus strand). Cytogenetic location: 1p22.1.
Variant type: single nucleotide variant.
Coding change: c.2573A>G on transcript NM_000350.3 (MANE Select); coding-DNA position 2573, A replaced by G.
Protein change: p.Asp858Gly; replaces aspartic acid 858 with glycine.
Molecular consequence: missense variant.
Genome position (GRCh38, 1-based): chr1:94,055,125, T>C on the plus strand (A>G on the coding strand, the complement: ABCA4 is on the minus strand). VCF-style: chr1-94055125-T-C. GRCh37 (hg19) VCF-style: chr1-94520681-T-C.
Other names: c.2351A>G, p.Asp784Gly (NM_001425324.1); short protein forms D858G, D784G.
Identifiers: ClinVar variation 1043743 (VCV001043743.8), dbSNP rs1660936980, ClinGen allele CA341276801.